The following is an entry in ClinVar:

ClinVar aggregate classification (germline): Uncertain significance. Review status: criteria provided, multiple submitters, no conflicts (2 of 4 stars). 6 submissions from 6 submitters: Uncertain significance (5). 1 of the submissions does not count toward it. Last evaluated 2025-08-15.

Conditions:
Inborn genetic diseases. Identifiers: MedGen C0950123, MeSH D030342.
Galactosylceramide beta-galactosidase deficiency. Also called: Krabbe Disease; Leukodystrophy, Globoid Cell; GALACTOCEREBROSIDASE DEFICIENCY; GALC DEFICIENCY; GLOBOID CELL LEUKOENCEPHALOPATHY. Identifiers: Orphanet 487, MedGen C0023521, MONDO:0009499, OMIM 245200.

Allele frequency attached by ClinVar (database versions not stated): gnomAD 0.00003; TOPMed 0.00004; ESP Exome Variant Server 0.00008.

Submissions (6):

Labcorp Genetics (formerly Invitae), Labcorp
Classification: Uncertain significance for Galactosylceramide beta-galactosidase deficiency. Last evaluated: 2025-08-15. Review status: criteria provided, single submitter. Criteria: Invitae Variant Classification Sherloc (09022015). Collection method: clinical testing. Allele origin: germline.
Comment: This sequence change replaces proline, which is neutral and non-polar, with threonine, which is neutral and polar, at codon 523 of the GALC protein (p.Pro523Thr). This variant is present in population databases (rs370952794, gnomAD 0.004%). This variant has not been reported in the literature in individuals affected with GALC-related conditions. ClinVar contains an entry for this variant (Variation ID: 286665). Invitae Evidence Modeling of protein sequence and biophysical properties (such as structural, functional, and spatial information, amino acid conservation, physicochemical variation, residue mobility, and thermodynamic stability) indicates that this missense variant is not expected to disrupt GALC protein function with a negative predictive value of 95%. In summary, the available evidence is currently insufficient to determine the role of this variant in disease. Therefore, it has been classified as a Variant of Uncertain Significance.

Ambry Genetics
Classification: Uncertain significance for Inborn genetic diseases. Last evaluated: 2024-11-10. Review status: criteria provided, single submitter. Criteria: Ambry Variant Classification Scheme 2023. Collection method: clinical testing. Allele origin: germline.

Fulgent Genetics
Classification: Uncertain significance for Galactosylceramide beta-galactosidase deficiency. Last evaluated: 2021-12-01. Review status: criteria provided, single submitter. Criteria: ACMG Guidelines, 2015. Collection method: clinical testing. Allele origin: unknown.

Mayo Clinic Laboratories, Mayo Clinic
Classification: Uncertain significance. Last evaluated: 2019-04-16. Review status: criteria provided, single submitter. Criteria: ACMG Guidelines, 2015. Collection method: clinical testing. Allele origin: germline. Observed: 1 variant allele.

Eurofins Ntd Llc (ga)
Classification: Uncertain significance. Last evaluated: 2016-03-03. Review status: criteria provided, single submitter. Criteria: EGL Classification Definitions 2015. Collection method: clinical testing. Allele origin: germline. Observed: 1 variant allele, 1 heterozygote.

Natera, Inc.
Classification: Uncertain significance for Galactosylceramide beta-galactosidase deficiency. Last evaluated: 2020-07-22. Review status: no assertion criteria provided. Collection method: clinical testing. Allele origin: germline. Not counted in ClinVar's aggregate classification.

NM_000153.4(GALC):c.1567C>A (p.Pro523Thr)

Gene: GALC (galactosylceramidase; minus strand). Cytogenetic location: 14q31.3.
Variant type: single nucleotide variant.
Coding change: c.1567C>A on transcript NM_000153.4 (MANE Select); coding-DNA position 1567, C replaced by A.
Protein change: p.Pro523Thr; replaces proline 523 with threonine.
Molecular consequence: missense variant.
Genome position (GRCh38, 1-based): chr14:87,945,656, G>T on the plus strand (C>A on the coding strand, the complement: GALC is on the minus strand). VCF-style: chr14-87945656-G-T. GRCh37 (hg19) VCF-style: chr14-88412000-G-T.
Other names: c.1498C>A, p.Pro500Thr (NM_001201401.2); c.1489C>A, p.Pro497Thr (NM_001201402.2); short protein forms P523T, P497T, P500T.
Identifiers: ClinVar variation 286665 (VCV000286665.16), dbSNP rs370952794, ClinGen allele CA10605535.